The following is an entry in ClinVar:

NM_001903.5(CTNNA1):c.1085A>G (p.Asp362Gly)

Gene: CTNNA1 (catenin alpha 1; plus strand). Cytogenetic location: 5q31.2.
Variant type: single nucleotide variant.
Coding change: c.1085A>G on transcript NM_001903.5 (MANE Select); coding-DNA position 1085, A replaced by G.
Protein change: p.Asp362Gly; replaces aspartic acid 362 with glycine.
Molecular consequence: missense variant. On other transcripts: 5 prime UTR variant (26), intron variant (2).
Genome position (GRCh38, 1-based): chr5:138,886,234, A>G. VCF-style: chr5-138886234-A-G. GRCh37 (hg19) VCF-style: chr5-138221923-A-G.
Other names: c.1085A>G, p.Asp362Gly (NM_001290307.3, NM_001323982.2, NM_001323983.1 and 3 more transcripts); c.776A>G, p.Asp259Gly (NM_001290309.3); c.716A>G, p.Asp239Gly (NM_001290310.3); c.-26A>G (NM_001290312.1, NM_001323987.1, NM_001323988.1 and 18 more transcripts); c.-423A>G (NM_001324006.1, NM_001324007.1, NM_001324008.1 and 1 more transcripts); c.-298A>G (NM_001324013.1); c.-58+10637A>G (NM_001324012.1); c.-61+10637A>G (NM_001324010.1); short protein forms D239G, D259G, D362G.
Identifiers: ClinVar variation 645908 (VCV000645908.11), dbSNP rs1581474079, ClinGen allele CA361132516.

ClinVar aggregate classification (germline): Uncertain significance. Review status: criteria provided, multiple submitters, no conflicts (2 of 4 stars). 2 submissions from 2 submitters: Uncertain significance (2). Last evaluated 2024-07-16.

Conditions:
Hereditary nonpolyposis colon cancer (HNPCC). Also called: Hereditary nonpolyposis colorectal cancer; Familial nonpolyposis colon cancer; Hereditary Nonpolyposis Colorectal Cancer Syndrome. Identifiers: Orphanet 443909, MedGen C1333990, MONDO:0018630. Disease mechanism: loss of function.

gnomAD v4.1: 1 of 1,611,326 alleles (0.000062%); highest among the groups gnomAD compares: Non-Finnish European, 0.000085%; no homozygotes.

Submissions (2):

Labcorp Genetics (formerly Invitae), Labcorp
Classification: Uncertain significance. Last evaluated: 2024-07-16. Review status: criteria provided, single submitter. Criteria: Invitae Variant Classification Sherloc (09022015). Collection method: clinical testing. Allele origin: germline.
Comment: This sequence change replaces aspartic acid, which is acidic and polar, with glycine, which is neutral and non-polar, at codon 362 of the CTNNA1 protein (p.Asp362Gly). This variant is not present in population databases (gnomAD no frequency). This variant has not been reported in the literature in individuals affected with CTNNA1-related conditions. ClinVar contains an entry for this variant (Variation ID: 645908). Advanced modeling of protein sequence and biophysical properties (such as structural, functional, and spatial information, amino acid conservation, physicochemical variation, residue mobility, and thermodynamic stability) performed at Invitae indicates that this missense variant is not expected to disrupt CTNNA1 protein function with a negative predictive value of 80%. In summary, the available evidence is currently insufficient to determine the role of this variant in disease. Therefore, it has been classified as a Variant of Uncertain Significance.

Department of Pathology and Laboratory Medicine, Sinai Health System
Classification: Uncertain significance for hereditary nonpolyposis colon cancer. Last evaluated: 2021-05-18. Review status: criteria provided, single submitter. Criteria: ACMG Guidelines, 2015. Collection method: clinical testing. Allele origin: germline. Affected: no.